The following is an entry in ClinVar:

NM_006648.4(WNK2):c.3965C>A (p.Pro1322His)

Gene: WNK2 (WNK lysine deficient protein kinase 2; plus strand). Cytogenetic location: 9q22.31.
Variant type: single nucleotide variant.
Coding change: c.3965C>A on transcript NM_006648.4 (MANE Select); coding-DNA position 3965, C replaced by A.
Protein change: p.Pro1322His; replaces proline 1322 with histidine.
Molecular consequence: missense variant.
Genome position (GRCh38, 1-based): chr9:93,268,678, C>A. VCF-style: chr9-93268678-C-A. GRCh37 (hg19) VCF-style: chr9-96030960-C-A.
Other names: c.3965C>A, p.Pro1322His (NM_001282394.3); short protein forms P1322H.
Identifiers: ClinVar variation 4866581 (VCV004866581.1).
Genomic context (GRCh38, chr9:93,268,678, plus strand): 5'-GCCCTTCAGTCCTGCACACCGGGAAGAGGTGGTTCATCATCTGTCCGGTGGCTGAGCACC[C>A]CGCCCCCGAGGCCCCTGAATCTTCGCCCCCACTTCCTCTAAGCTCCCTGCCGCCAGAAGC-3'
Protein context (NP_006639.3, residues 1312-1332): WFIICPVAEH[Pro1322His]APEAPESSPP

ClinVar aggregate classification (germline): Uncertain significance (1 of 4 stars; one submission).

Submission:

Ambry Genetics
Classification: Uncertain significance. Last evaluated: 2026-04-11. Review status: criteria provided, single submitter. Criteria: Ambry Variant Classification Scheme 2023. Collection method: clinical testing. Allele origin: germline.
Comment: The p.P1322H variant (also known as c.3965C>A), located in coding exon 18 of the WNK2 gene, results from a C to A substitution at nucleotide position 3965. The proline at codon 1322 is replaced by histidine, an amino acid with similar properties. This amino acid position is conserved. In addition, this alteration is predicted to be tolerated by in silico analysis. Based on the available evidence, the clinical significance of this variant remains unclear.